The following is an entry in ClinVar:

ClinVar aggregate classification (germline): Likely benign. Review status: criteria provided, multiple submitters, no conflicts (2 of 4 stars). 2 submissions from 2 submitters: Likely benign (2). Last evaluated 2026-01-24.

Conditions:
Weaver syndrome (WVS). Also called: Weaver Smith syndrome; Overgrowth syndrome with accelerated skeletal maturation, unusual facies, and camptodactyly. Identifiers: Orphanet 3447, MedGen C0265210, MONDO:0010193, OMIM 277590.

Allele frequency attached by ClinVar (database versions not stated): ExAC 0.00001; gnomAD exomes 0.00002 and 0.00010; TOPMed 0.00003; gnomAD 0.00005.
gnomAD v4.1: 143 of 1,596,814 alleles (0.009%); highest among the groups gnomAD compares: Middle Eastern, 0.016%; no homozygotes.

Submissions (2):

Labcorp Genetics (formerly Invitae), Labcorp
Classification: Likely benign for Weaver syndrome. Last evaluated: 2026-01-24. Review status: criteria provided, single submitter. Criteria: Invitae Variant Classification Sherloc (09022015). Collection method: clinical testing. Allele origin: germline.

CeGaT Center for Human Genetics Tuebingen
Classification: Likely benign. Last evaluated: 2024-02-01. Review status: criteria provided, single submitter. Criteria: CeGaT Center For Human Genetics Tuebingen Variant Classification Criteria Version 2. Collection method: clinical testing. Allele origin: germline. Affected: yes. Observed: 1 variant allele.
Comment: EZH2: BP4

NM_004456.5(EZH2):c.485-8C>T

Gene: EZH2 (enhancer of zeste 2 polycomb repressive complex 2 subunit; minus strand). Cytogenetic location: 7q36.1.
Variant type: single nucleotide variant.
Coding change: c.485-8C>T on transcript NM_004456.5 (MANE Select); 8 bases into the intron before coding-DNA position 485, C replaced by T.
Molecular consequence: intron variant.
Genome position (GRCh38, 1-based): chr7:148,828,888, G>A on the plus strand (C>T on the coding strand, the complement: EZH2 is on the minus strand). VCF-style: chr7-148828888-G-A. GRCh37 (hg19) VCF-style: chr7-148525980-G-A.
Other names: c.458-8C>T (NM_001203248.2, NM_001203249.2); c.368-8C>T (NM_152998.3); c.485-8C>T (NM_001203247.2).
Identifiers: ClinVar variation 698604 (VCV000698604.33), dbSNP rs778120645, ClinGen allele CA4548111.